The following is an entry in ClinVar:

NM_080680.3(COL11A2):c.835del (p.Tyr279fs)

Gene: COL11A2 (collagen type XI alpha 2 chain; minus strand). Cytogenetic location: 6p21.32.
Variant type: Deletion.
Coding change: c.835del on transcript NM_080680.3 (MANE Select); coding-DNA position 835, one base deleted (T; older notation c.835delT).
Protein change: p.Tyr279fs; shifts the reading frame from tyrosine 279.
Molecular consequence: frameshift variant. On other transcripts: 5 prime UTR variant (3), intron variant (2).
Genome position (GRCh38, 1-based): chr6:33,185,742, A deleted on the plus strand (T on the coding strand, the reverse complement: COL11A2 is on the minus strand). VCF-style (leftmost placement, unchanged base first): chr6-33185741-TA-T. GRCh37 (hg19) VCF-style: chr6-33153518-TA-T.
Other names: c.-12del (NM_001424109.1, NM_001424110.1, NM_001424111.1); c.798+885del (NM_080679.3); c.799-688del (NM_080681.3); c.835del, p.Tyr279fs (NM_001424108.1); short protein forms Y279fs.
Identifiers: ClinVar variation 3657036 (VCV003657036.2).

ClinVar aggregate classification (germline): Pathogenic (1 of 4 stars; one submission).

Submission:

Labcorp Genetics (formerly Invitae), Labcorp
Classification: Pathogenic. Last evaluated: 2024-12-14. Review status: criteria provided, single submitter. Criteria: Invitae Variant Classification Sherloc (09022015). Collection method: clinical testing. Allele origin: germline.
Comment: This sequence change creates a premature translational stop signal (p.Tyr279Ilefs*4) in the COL11A2 gene. It is expected to result in an absent or disrupted protein product. Loss-of-function variants in COL11A2 are known to be pathogenic (PMID: 10677296, 21204229). This variant is not present in population databases (gnomAD no frequency). This variant has not been reported in the literature in individuals affected with COL11A2-related conditions. Algorithms developed to predict the effect of sequence changes on RNA splicing suggest that this variant may disrupt the consensus splice site. For these reasons, this variant has been classified as Pathogenic.

Literature cited by the submitters: PubMed 10677296; PubMed 21204229.